The following is an entry in ClinVar:

ClinVar aggregate classification (germline): Conflicting classifications of pathogenicity. Review status: criteria provided, conflicting classifications (1 of 4 stars). 5 submissions from 5 submitters: Uncertain significance (4); Likely benign (1). Last evaluated 2026-03-03.

Conditions:
Long QT syndrome 13 (LQT13). Identifiers: Orphanet 101016, Orphanet 768, MedGen C3150733, MONDO:0013279, OMIM 613485.
Familial hyperaldosteronism type III. Also called: Familial hyperaldosteronism type 3; FH III. Identifiers: Orphanet 251274, MedGen C3838758, MONDO:0013359, OMIM 613677.
Cardiovascular phenotype. Identifiers: MedGen CN230736.
Long QT syndrome (LQTS). Identifiers: MedGen C0023976, MeSH D008133, MONDO:0002442. Disease mechanism: loss of function. Inheritance: Various modes of inheritance.

Allele frequency attached by ClinVar (database versions not stated): gnomAD 0.00013 and 0.00012; TOPMed 0.00014; gnomAD exomes 0.00007 and 0.00006; ExAC 0.00009; ESP Exome Variant Server 0.00008.

Submissions (5):

Ambry Genetics
Classification: Likely benign for Cardiovascular phenotype. Last evaluated: 2026-03-03. Review status: criteria provided, single submitter. Criteria: Ambry Variant Classification Scheme 2023. Collection method: clinical testing. Allele origin: germline.

Labcorp Genetics (formerly Invitae), Labcorp
Classification: Uncertain significance for Long QT syndrome. Last evaluated: 2026-01-10. Review status: criteria provided, single submitter. Criteria: Invitae Variant Classification Sherloc (09022015). Collection method: clinical testing. Allele origin: germline.
Comment: This sequence change replaces glutamic acid, which is acidic and polar, with lysine, which is basic and polar, at codon 147 of the KCNJ5 protein (p.Glu147Lys). This variant is present in population databases (rs148355179, gnomAD 0.03%). This variant has not been reported in the literature in individuals affected with KCNJ5-related conditions. ClinVar contains an entry for this variant (Variation ID: 432222). Invitae Evidence Modeling of protein sequence and biophysical properties (such as structural, functional, and spatial information, amino acid conservation, physicochemical variation, residue mobility, and thermodynamic stability) indicates that this missense variant is expected to disrupt KCNJ5 protein function with a positive predictive value of 80%. In summary, the available evidence is currently insufficient to determine the role of this variant in disease. Therefore, it has been classified as a Variant of Uncertain Significance.

Fulgent Genetics
Classification: Uncertain significance for Long QT syndrome 13; Familial hyperaldosteronism type III. Last evaluated: 2024-05-14. Review status: criteria provided, single submitter. Criteria: ACMG Guidelines, 2015. Collection method: clinical testing. Allele origin: germline.

GeneDx
Classification: Uncertain significance. Last evaluated: 2023-11-17. Review status: criteria provided, single submitter. Criteria: GeneDx Variant Classification Process June 2021. Collection method: clinical testing. Allele origin: germline. Affected: yes.
Comment: Has not been previously published as pathogenic or benign to our knowledge; In silico analysis supports that this missense variant has a deleterious effect on protein structure/function

Women's Health and Genetics/Laboratory Corporation of America, LabCorp
Classification: Uncertain significance. Last evaluated: 2022-01-15. Review status: criteria provided, single submitter. Criteria: LabCorp Variant Classification Summary - May 2015. Collection method: clinical testing. Allele origin: germline.
Comment: Variant summary: KCNJ5 c.439G>A (p.Glu147Lys) results in a conservative amino acid change located in the Potassium channel, inwardly rectifying, transmembrane domain (IPR040445) of the encoded protein sequence. Four of five in-silico tools predict a damaging effect of the variant on protein function. The variant allele was found at a frequency of 6.8e-05 in 251494 control chromosomes. This frequency does not allow firm conclusions about variant significance. To our knowledge, no occurrence of c.439G>A in individuals affected with Hyperaldosteronism, Familial, Type III/Long QT syndrome 13 and no experimental evidence demonstrating its impact on protein function have been reported. Two clinical diagnostic laboratories have submitted clinical-significance assessments for this variant to ClinVar after 2014 without evidence for independent evaluation. All laboratories classified the variant as uncertain significance. Based on the evidence outlined above, the variant was classified as uncertain significance.

NM_000890.5(KCNJ5):c.439G>A (p.Glu147Lys)

Gene: KCNJ5 (potassium inwardly rectifying channel subfamily J member 5; plus strand). Cytogenetic location: 11q24.3.
Variant type: single nucleotide variant.
Coding change: c.439G>A on transcript NM_000890.5 (MANE Select); coding-DNA position 439, G replaced by A.
Protein change: p.Glu147Lys; replaces glutamic acid 147 with lysine.
Molecular consequence: missense variant.
Genome position (GRCh38, 1-based): chr11:128,911,712, G>A. VCF-style: chr11-128911712-G-A. GRCh37 (hg19) VCF-style: chr11-128781607-G-A.
Other names: c.439G>A (LRG_333t1); c.439G>A, p.Glu147Lys (NM_001354169.2); short protein forms E147K.
Identifiers: ClinVar variation 432222 (VCV000432222.18), dbSNP rs148355179, ClinGen allele CA6357874.